The following is an entry in ClinVar:

ClinVar aggregate classification (germline): Uncertain significance (1 of 4 stars; one submission).

Conditions:
Spastic paraplegia. Identifiers: MedGen C0037772, HP:0001258.

Submission:

Labcorp Genetics (formerly Invitae), Labcorp
Classification: Uncertain significance for Spastic paraplegia. Last evaluated: 2020-06-26. Review status: criteria provided, single submitter. Criteria: Invitae Variant Classification Sherloc (09022015). Collection method: clinical testing. Allele origin: germline.
Comment: This variant has been observed in individual(s) with clinical features of hereditary spastic paraplegia (Invitae). ClinVar contains an entry for this variant (Variation ID: 458219). The frequency data for this variant in the population databases is considered unreliable, as metrics indicate poor data quality at this position in the ExAC database. This variant, c.1114_1119del, results in the deletion of 2 amino acid(s) of the B4GALNT1 protein (p.Asp372_Val373del), but otherwise preserves the integrity of the reading frame. Experimental studies and prediction algorithms are not available or were not evaluated, and the functional significance of this variant is currently unknown. In summary, the available evidence is currently insufficient to determine the role of this variant in disease. Therefore, it has been classified as a Variant of Uncertain Significance.

NM_001478.5(B4GALNT1):c.1114_1119del (p.Asp372_Val373del)

Gene: B4GALNT1 (beta-1,4-N-acetyl-galactosaminyltransferase 1; minus strand). Cytogenetic location: 12q13.3.
Variant type: Deletion.
Coding change: c.1114_1119del on transcript NM_001478.5 (MANE Select); coding-DNA positions 1114 to 1119, 6 bases deleted (GACGTG; older notation c.1114_1119delGACGTG).
Protein change: p.Asp372_Val373del.
Molecular consequence: inframe deletion.
Genome position (GRCh38, 1-based): chr12:57,628,146-57,628,151, CACGTC deleted on the plus strand (GACGTG on the coding strand, the reverse complement: B4GALNT1 is on the minus strand); deleting any 6 consecutive bases within chr12:57,628,146-57,628,154 gives the same sequence; the c. name uses the placement nearest the transcript's 3' end. VCF-style (leftmost placement, unchanged base first): chr12-57628145-GCACGTC-G. GRCh37 (hg19) VCF-style: chr12-58021928-GCACGTC-G.
Other names: c.949_954del, p.Asp317_Val318del (NM_001276468.2).
Identifiers: ClinVar variation 458219 (VCV000458219.8), dbSNP rs771698791, ClinGen allele CA6655535.